The following is an entry in ClinVar:

NM_000271.5(NPC1):c.1088C>T (p.Ala363Val)

Gene: NPC1 (NPC intracellular cholesterol transporter 1; minus strand). Cytogenetic location: 18q11.2.
Variant type: single nucleotide variant.
Coding change: c.1088C>T on transcript NM_000271.5 (MANE Select); coding-DNA position 1088, C replaced by T.
Protein change: p.Ala363Val; replaces alanine 363 with valine.
Molecular consequence: missense variant.
Genome position (GRCh38, 1-based): chr18:23,556,481, G>A on the plus strand (C>T on the coding strand, the complement: NPC1 is on the minus strand). VCF-style: chr18-23556481-G-A. GRCh37 (hg19) VCF-style: chr18-21136445-G-A.
Other names: short protein forms A363V.
Identifiers: ClinVar variation 255690 (VCV000255690.5), dbSNP rs774588125, ClinGen allele CA8913537.

ClinVar aggregate classification (germline): Conflicting classifications of pathogenicity. Review status: criteria provided, conflicting classifications (1 of 4 stars). 3 submissions from 3 submitters: Uncertain significance (2); Likely benign (1). Last evaluated 2022-07-22.

Conditions:
Niemann-Pick disease, type C1. Also called: NIEMANN-PICK DISEASE, VARIANT TYPE C1; NEUROVISCERAL STORAGE DISEASE WITH VERTICAL SUPRANUCLEAR OPHTHALMOPLEGIA; NIEMANN-PICK DISEASE WITH CHOLESTEROL ESTERIFICATION BLOCK; NIEMANN-PICK DISEASE WITHOUT SPHINGOMYELINASE DEFICIENCY; NIEMANN-PICK DISEASE, CHRONIC NEURONOPATHIC FORM. Identifiers: Orphanet 646, MedGen C3179455, MONDO:0009757, OMIM 257220.

Allele frequency attached by ClinVar (database versions not stated): TOPMed below 0.00001; gnomAD 0.00001; gnomAD exomes 0.00001 and 0.00002; ExAC 0.00002.
gnomAD v4.1: 12 of 1,613,970 alleles (0.00074%); highest among the groups gnomAD compares: South Asian, 0.0066%; no homozygotes.

Submissions (3):

Labcorp Genetics (formerly Invitae), Labcorp
Classification: Uncertain significance for Niemann-Pick disease, type C1. Last evaluated: 2022-07-22. Review status: criteria provided, single submitter. Criteria: Invitae Variant Classification Sherloc (09022015). Collection method: clinical testing. Allele origin: germline.
Comment: This sequence change replaces alanine, which is neutral and non-polar, with valine, which is neutral and non-polar, at codon 363 of the NPC1 protein (p.Ala363Val). This variant is present in population databases (rs774588125, gnomAD 0.003%). This variant has not been reported in the literature in individuals affected with NPC1-related conditions. ClinVar contains an entry for this variant (Variation ID: 255690). Advanced modeling of protein sequence and biophysical properties (such as structural, functional, and spatial information, amino acid conservation, physicochemical variation, residue mobility, and thermodynamic stability) performed at Invitae indicates that this missense variant is not expected to disrupt NPC1 protein function. Algorithms developed to predict the effect of sequence changes on RNA splicing suggest that this variant may create or strengthen a splice site. In summary, the available evidence is currently insufficient to determine the role of this variant in disease. Therefore, it has been classified as a Variant of Uncertain Significance.

GeneDx
Classification: Uncertain significance. Last evaluated: 2019-11-30. Review status: criteria provided, single submitter. Criteria: GeneDx Variant Classification Process June 2021. Collection method: clinical testing. Allele origin: germline. Affected: yes.
Comment: Not observed at a significant frequency in large population cohorts (Lek et al., 2016); The majority of missense variants in this gene are considered pathogenic (Stenson et al., 2014); In silico analysis, which includes protein predictors and evolutionary conservation, supports that this variant does not alter protein structure/function; Has not been previously published as pathogenic or benign to our knowledge

PreventionGenetics, part of Exact Sciences
Classification: Likely benign. Review status: criteria provided, single submitter. Criteria: ACMG Guidelines, 2015. Collection method: clinical testing. Allele origin: germline.